The following is an entry in ClinVar:

NM_001142800.2(EYS):c.8945_8946delinsATTTCAC (p.Ile2982fs)

Genes: EYS (EGF-like photoreceptor maintenance factor; minus strand), PHF3 (PHD finger protein 3; plus strand). Cytogenetic location: 6q12.
Variant type: Indel.
Coding change: c.8945_8946delinsATTTCAC on transcript NM_001142800.2 (MANE Select); coding-DNA positions 8945 to 8946, TA replaced by ATTTCAC.
Protein change: p.Ile2982fs; shifts the reading frame from isoleucine 2982.
Molecular consequence: frameshift variant. On other transcripts: 3 prime UTR variant (5).
Genome position (GRCh38, 1-based): chr6:63,721,085-63,721,086, TA replaced by GTGAAAT on the plus strand (TA replaced by ATTTCAC on the coding strand, the reverse complement: EYS is on the minus strand). VCF-style: chr6-63721085-TA-GTGAAAT. GRCh37 (hg19) VCF-style: chr6-64430981-TA-GTGAAAT.
Other names: c.*7377_*7378delinsGTGAAAT (NM_001370349.2, NM_001370350.2, NM_015153.4 and 2 more transcripts); c.9008_9009delinsATTTCAC, p.Ile3003fs (NM_001292009.2); c.8945_8946delinsATTTCAC (NM_001142800.1); short protein forms I2982fs, I3003fs.
Identifiers: ClinVar variation 2675245 (VCV002675245.4), dbSNP rs2533388360, ClinGen allele CA2695198247.

ClinVar aggregate classification (germline): Pathogenic/Likely pathogenic. Review status: criteria provided, multiple submitters, no conflicts (2 of 4 stars). 4 submissions from 4 submitters: Pathogenic (1); Likely pathogenic (3). Last evaluated 2026-01-21.

Conditions:
Retinitis pigmentosa 25 (RP25). Identifiers: Orphanet 791, MedGen C1864446, MONDO:0011272, OMIM 602772.

Submissions (4):

Myriad Genetics, Inc.
Classification: Pathogenic for Retinitis pigmentosa 25. Last evaluated: 2026-01-21. Review status: criteria provided, single submitter. Criteria: Myriad Autosomal Dominant, Autosomal Recessive and X-Linked Classification Criteria (2023). Collection method: clinical testing. Allele origin: unknown.
Comment: NM_001142800.1(EYS):c.8945_8946del2ins7(I2982Nfs*5) is a frameshift variant classified as pathogenic in the context of retinitis pigmentosa, EYS-related. I2982Nfs*5 has not been observed in cases with relevant disease. Relevant functional assessments of this variant are not available in the literature. I2982Nfs*5 has not been observed in referenced population frequency databases. In summary, NM_001142800.1(EYS):c.8945_8946del2ins7(I2982Nfs*5) is a frameshift variant in a gene where loss of function is a known mechanism of disease and is predicted to disrupt protein function. Please note: this variant was assessed in the context of healthy population screening.

Natera, Inc.
Classification: Likely pathogenic for Retinitis pigmentosa type 25. Last evaluated: 2025-05-12. Review status: criteria provided, single submitter. Criteria: Natera Variant Classification Schema (03/2026). Collection method: clinical testing. Allele origin: germline.
Comment: The c.8945_8946delinsATTTCAC variant in EYS is a frameshift variant predicted to shift the reading frame beginning at codon 2982 and leads to a stop codon 5 codons downstream. This variant is expected to result in nonsense mediated decay, truncation, or a dysfunctional protein product. This variant is rare in the general population with a frequency below the threshold expected for the associated phenotype(s). Given the available evidence, this variant is classified as Likely Pathogenic.

Fulgent Genetics
Classification: Likely pathogenic for Retinitis pigmentosa 25. Last evaluated: 2024-06-19. Review status: criteria provided, single submitter. Criteria: ACMG Guidelines, 2015. Collection method: clinical testing. Allele origin: germline.

Baylor Genetics
Classification: Likely pathogenic for Retinitis pigmentosa 25. Last evaluated: 2023-09-07. Review status: criteria provided, single submitter. Criteria: ACMG Guidelines, 2015. Collection method: clinical testing. Allele origin: unknown.